The following is an entry in ClinVar:

ClinVar aggregate classification (germline): Likely benign (1 of 4 stars; one submission).

Conditions:
Sessile serrated polyposis cancer syndrome (SSPCS). Identifiers: Orphanet 157798, MedGen C4310714, MONDO:0014919, OMIM 617108.

gnomAD v4.1: 1 of 1,613,416 alleles (0.000062%); highest among the groups gnomAD compares: Non-Finnish European, 0.000085%; no homozygotes.

Submission:

Myriad Genetics, Inc.
Classification: Likely benign for Sessile serrated polyposis cancer syndrome. Last evaluated: 2026-06-26. Review status: criteria provided, single submitter. Criteria: Myriad Autosomal Dominant, Autosomal Recessive and X-Linked Classification Criteria (2023). Collection method: clinical testing. Allele origin: unknown.
Comment: This variant is considered likely benign. This variant is intronic and is not expected to impact mRNA splicing.

NM_017763.6(RNF43):c.2309-11T>C

Gene: RNF43 (ring finger protein 43; minus strand). Cytogenetic location: 17q22.
Variant type: single nucleotide variant.
Coding change: c.2309-11T>C on transcript NM_017763.6 (MANE Select); 11 bases into the intron before coding-DNA position 2309, T replaced by C.
Molecular consequence: intron variant.
Genome position (GRCh38, 1-based): chr17:58,354,997, A>G on the plus strand (T>C on the coding strand, the complement: RNF43 is on the minus strand). VCF-style: chr17-58354997-A-G. GRCh37 (hg19) VCF-style: chr17-56432358-A-G.
Other names: c.2309-11T>C (NM_001438822.1, NM_001305544.3); c.1928-11T>C (NM_001305545.2).
Identifiers: ClinVar variation 4875735 (VCV004875735.1).